The following is an entry in ClinVar:

ClinVar aggregate classification (germline): Uncertain significance (1 of 4 stars; one submission).

Conditions:
Multiple endocrine neoplasia, type 1 (MEN1). Also called: MEN I; WERMER SYNDROME; Endocrine adenomatosis multiple; MEN 1; MEA I. Identifiers: Orphanet 652, MedGen C0025267, MeSH D018761, MONDO:0007540, OMIM 131100.

Submission:

All of Us Research Program, National Institutes of Health
Classification: Uncertain significance for Multiple endocrine neoplasia, type 1. Last evaluated: 2023-10-23. Review status: criteria provided, single submitter. Criteria: ACMG Guidelines, 2015. Collection method: clinical testing. Allele origin: germline. Inheritance: Autosomal dominant inheritance. Observed: 1 variant allele, 1 heterozygote.
Comment: This variant duplicates 7 basepairs from the 5' UTR of the MEN1 gene, located 14 basepairs upstream of the translation initiation codon. This variant does not create or introduce an alternate ATG codon nor does it affect the Kozak consensus sequence, therefore it is not predicted to impact translation initiation. To our knowledge, functional studies have not been reported for this variant. This variant has not been reported in individuals affected with MEN1-related disorders in the literature. This variant has not been identified in the general population by the Genome Aggregation Database (gnomAD). The available evidence is insufficient to determine the role of this variant in disease conclusively. Therefore, this variant is classified as a Variant of Uncertain Significance.

This study involves interpretation of variants in research participants for the purpose of population health screening. Participant phenotype was not available at the time of variant classification. Additional details can be found in publication PMID: 35346344, PMCID: PMC8962531

NM_001370259.2(MEN1):c.-20_-14dup

Gene: MEN1 (menin 1; minus strand). Cytogenetic location: 11q13.1.
Variant type: Duplication.
Coding change: c.-20_-14dup on transcript NM_001370259.2 (MANE Select); 20 bases upstream of the start codon through 14 bases upstream of the start codon, 7 bases duplicated (GCCGCCC; older notation c.-20_-14dupGCCGCCC).
Molecular consequence: 5 prime UTR variant. On other transcripts: non-coding transcript variant (4).
Genome position (GRCh38, 1-based): chr11:64,810,123-64,810,129, GGGCGGC duplicated on the plus strand (GCCGCCC on the coding strand, the reverse complement: MEN1 is on the minus strand); duplicating any 7 consecutive bases within chr11:64,810,123-64,810,131 gives the same sequence; the c. name uses the placement nearest the transcript's 3' end. VCF-style (leftmost placement, unchanged base first): chr11-64810122-T-TGGGCGGC. GRCh37 (hg19) VCF-style: chr11-64577594-T-TGGGCGGC.
Other names: c.-20_-14dup (NM_000244.4, NM_001370251.2, NM_001370260.2 and 20 more transcripts).
Identifiers: ClinVar variation 3074126 (VCV003074126.1), dbSNP rs764621726, ClinGen allele CA6082230.